The following is an entry in ClinVar:

NM_032043.3(BRIP1):c.903del (p.Leu301fs)

Gene: BRIP1 (BRCA1 interacting DNA helicase 1; minus strand). Cytogenetic location: 17q23.2.
Variant type: Deletion.
Coding change: c.903del on transcript NM_032043.3 (MANE Select); coding-DNA position 903, one base deleted (G; older notation c.903delG).
Protein change: p.Leu301fs; shifts the reading frame from leucine 301.
Molecular consequence: frameshift variant.
Genome position (GRCh38, 1-based): chr17:61,808,482, C deleted on the plus strand (G on the coding strand, the reverse complement: BRIP1 is on the minus strand). VCF-style (leftmost placement, unchanged base first): chr17-61808481-GC-G. GRCh37 (hg19) VCF-style: chr17-59885842-GC-G.
Other names: c.903delG (NM_032043.2); short protein forms L301fs.
Identifiers: ClinVar variation 232007 (VCV000232007.19), dbSNP rs876659490, ClinGen allele CA10580853.

ClinVar aggregate classification (germline): Pathogenic/Likely pathogenic. Review status: criteria provided, multiple submitters, no conflicts (2 of 4 stars). 4 submissions from 4 submitters: Pathogenic (3); Likely pathogenic (1). Last evaluated 2024-01-09.

Conditions:
Hereditary cancer-predisposing syndrome. Also called: Hereditary Cancer Syndrome; Neoplastic Syndromes, Hereditary; Tumor predisposition; Hereditary neoplastic syndrome. Identifiers: Orphanet 140162, MedGen C0027672, MeSH D009386, MONDO:0015356.
Fanconi anemia complementation group J. Also called: BRIP1-Related Fanconi Anemia. Identifiers: Orphanet 84, MedGen C1836860, MONDO:0012187, OMIM 609054.
Familial cancer of breast. Also called: Hereditary breast cancer; hereditary breast carcinoma; BREAST CANCER, FAMILIAL. Identifiers: Orphanet 227535, MedGen C0346153, MONDO:0016419, OMIM 114480. Disease mechanism: loss of function.

Submissions (4):

Labcorp Genetics (formerly Invitae), Labcorp
Classification: Pathogenic for Familial cancer of breast; Fanconi anemia complementation group J. Last evaluated: 2024-01-09. Review status: criteria provided, single submitter. Criteria: Invitae Variant Classification Sherloc (09022015). Collection method: clinical testing. Allele origin: germline.
Comment: This sequence change creates a premature translational stop signal (p.Leu301Phefs*2) in the BRIP1 gene. It is expected to result in an absent or disrupted protein product. Loss-of-function variants in BRIP1 are known to be pathogenic (PMID: 16116423, 17033622, 21964575). This variant is not present in population databases (gnomAD no frequency). This premature translational stop signal has been observed in individual(s) with colorectal cancer (PMID: 30256826). ClinVar contains an entry for this variant (Variation ID: 232007). For these reasons, this variant has been classified as Pathogenic.

Myriad Genetics, Inc.
Classification: Pathogenic for Familial cancer of breast. Last evaluated: 2023-06-01. Review status: criteria provided, single submitter. Criteria: Myriad Autosomal Dominant, Autosomal Recessive and X-Linked Classification Criteria (2023). Collection method: clinical testing. Allele origin: unknown.
Comment: This variant is considered pathogenic. This variant creates a frameshift predicted to result in premature protein truncation.

Ambry Genetics
Classification: Pathogenic for Hereditary cancer-predisposing syndrome. Last evaluated: 2023-05-24. Review status: criteria provided, single submitter. Criteria: Ambry Variant Classification Scheme 2023. Collection method: clinical testing. Allele origin: germline.
Comment: The c.903delG pathogenic mutation, located in coding exon 6 of the BRIP1 gene, results from a deletion of one nucleotide at nucleotide position 903, causing a translational frameshift with a predicted alternate stop codon (p.L301Ffs*2). This alteration is expected to result in loss of function by premature protein truncation or nonsense-mediated mRNA decay. As such, this alteration is interpreted as a disease-causing mutation.

Fulgent Genetics
Classification: Likely pathogenic for Familial cancer of breast; Fanconi anemia complementation group J. Last evaluated: 2021-07-13. Review status: criteria provided, single submitter. Criteria: ACMG Guidelines, 2015. Collection method: clinical testing. Allele origin: unknown.

Literature cited by the submitters: PubMed 16116423 (cited by Labcorp Genetics (formerly Invitae), Labcorp); PubMed 17033622 (cited by Labcorp Genetics (formerly Invitae), Labcorp); PubMed 21964575 (cited by Labcorp Genetics (formerly Invitae), Labcorp); PubMed 30256826 (cited by Labcorp Genetics (formerly Invitae), Labcorp).